The following is an entry in ClinVar:

ClinVar aggregate classification (germline): Likely benign. Review status: criteria provided, multiple submitters, no conflicts (2 of 4 stars). 3 submissions from 3 submitters: Likely benign (3). Last evaluated 2023-02-01.

Conditions:
Polycystic kidney disease, adult type (PKD1). Also called: POLYCYSTIC KIDNEY DISEASE, ADULT, TYPE I; Polycystic Kidney, Autosomal Dominant; POLYCYSTIC KIDNEY DISEASE 1 WITH OR WITHOUT POLYCYSTIC LIVER DISEASE; Polycystic Kidney Disease 1, Autosomal Dominant; Polycystic kidney disease 1; Polycystic kidney disease 1, severe. Identifiers: MedGen C3149841, MONDO:0008263, OMIM 173900.

Allele frequency attached by ClinVar (database versions not stated): gnomAD 0.00009 and 0.00011; TOPMed 0.00011; ExAC 0.00016; gnomAD exomes 0.00016; 1000 Genomes Project 0.00040; 1000 Genomes Project 30x 0.00047.

Submissions (3):

CeGaT Center for Human Genetics Tuebingen
Classification: Likely benign. Last evaluated: 2023-02-01. Review status: criteria provided, single submitter. Criteria: CeGaT Center For Human Genetics Tuebingen Variant Classification Criteria Version 2. Collection method: clinical testing. Allele origin: germline. Affected: yes. Observed: 1 variant allele.
Comment: PKD1: BP4, BP7

Fulgent Genetics
Classification: Likely benign for Polycystic kidney disease, adult type. Last evaluated: 2022-03-07. Review status: criteria provided, single submitter. Criteria: ACMG Guidelines, 2015. Collection method: clinical testing. Allele origin: unknown.

ARUP Laboratories, Molecular Genetics and Genomics, ARUP Laboratories
Classification: Likely benign. Last evaluated: 2016-10-10. Review status: criteria provided, single submitter. Criteria: ARUP Molecular Germline Variant Investigation Process. Collection method: clinical testing. Allele origin: germline.

NM_001009944.3(PKD1):c.10872G>A (p.Pro3624=)

Genes: PKD1 (polycystin 1, transient receptor potential channel interacting; minus strand), PKD1-AS1 (PKD1 antisense RNA 1; plus strand). Cytogenetic location: 16p13.3.
Variant type: single nucleotide variant.
Coding change: c.10872G>A on transcript NM_001009944.3 (MANE Select); coding-DNA position 10872, G replaced by A.
Protein change: p.Pro3624=; no amino-acid change (proline 3624 retained).
Molecular consequence: synonymous variant.
Genome position (GRCh38, 1-based): chr16:2,093,688, C>T on the plus strand (G>A on the coding strand, the complement: PKD1 is on the minus strand). VCF-style: chr16-2093688-C-T. GRCh37 (hg19) VCF-style: chr16-2143689-C-T.
Other names: c.10869G>A, p.Pro3623= (NM_000296.4).
Identifiers: ClinVar variation 440088 (VCV000440088.33), dbSNP rs201417193, ClinGen allele CA7829398.